The following is an entry in ClinVar:

NM_022114.4(PRDM16):c.746A>G (p.Lys249Arg)

Gene: PRDM16 (PR/SET domain 16; plus strand). Cytogenetic location: 1p36.32.
Variant type: single nucleotide variant.
Coding change: c.746A>G on transcript NM_022114.4 (MANE Select); coding-DNA position 746, A replaced by G.
Protein change: p.Lys249Arg; replaces lysine 249 with arginine.
Molecular consequence: missense variant.
Genome position (GRCh38, 1-based): chr1:3,402,860, A>G. VCF-style: chr1-3402860-A-G. GRCh37 (hg19) VCF-style: chr1-3319424-A-G.
Other names: c.746A>G, p.Lys249Arg (NM_199454.3); short protein forms K249R.
Identifiers: ClinVar variation 1307370 (VCV001307370.19), dbSNP rs541077599, ClinGen allele CA543951.

ClinVar aggregate classification (germline): Conflicting classifications of pathogenicity. Review status: criteria provided, conflicting classifications (1 of 4 stars). 3 submissions from 3 submitters: Uncertain significance (2); Likely benign (1). Last evaluated 2025-04-01.

Conditions:
Left ventricular noncompaction 8 (LVNC8). Identifiers: Orphanet 154, Orphanet 54260, MedGen C3809288, MONDO:0014152, OMIM 615373.

Allele frequency attached by ClinVar (database versions not stated): 1000 Genomes Project 30x 0.00016; 1000 Genomes Project 0.00020; gnomAD exomes 0.00002 and 0.00003; TOPMed 0.00002; ExAC 0.00003; gnomAD 0.00003 and 0.00004.
gnomAD v4.1: 17 of 1,613,098 alleles (0.0011%); highest among the groups gnomAD compares: Admixed American, 0.018%; no homozygotes.

Submissions (3):

CeGaT Center for Human Genetics Tuebingen
Classification: Likely benign. Last evaluated: 2025-04-01. Review status: criteria provided, single submitter. Criteria: CeGaT Center For Human Genetics Tuebingen Variant Classification Criteria Version 2. Collection method: clinical testing. Allele origin: germline. Affected: yes. Observed: 1 variant allele.
Comment: PRDM16: BP4

Labcorp Genetics (formerly Invitae), Labcorp
Classification: Uncertain significance for Left ventricular noncompaction 8. Last evaluated: 2023-04-20. Review status: criteria provided, single submitter. Criteria: Invitae Variant Classification Sherloc (09022015). Collection method: clinical testing. Allele origin: germline.
Comment: This sequence change replaces lysine, which is basic and polar, with arginine, which is basic and polar, at codon 249 of the PRDM16 protein (p.Lys249Arg). This variant is present in population databases (rs541077599, gnomAD 0.02%). This variant has not been reported in the literature in individuals affected with PRDM16-related conditions. ClinVar contains an entry for this variant (Variation ID: 1307370). Algorithms developed to predict the effect of missense changes on protein structure and function output the following: SIFT: "Not Available"; PolyPhen-2: "Benign"; Align-GVGD: "Not Available". The arginine amino acid residue is found in multiple mammalian species, which suggests that this missense change does not adversely affect protein function. In summary, the available evidence is currently insufficient to determine the role of this variant in disease. Therefore, it has been classified as a Variant of Uncertain Significance.

GeneDx
Classification: Uncertain significance. Last evaluated: 2019-07-22. Review status: criteria provided, single submitter. Criteria: GeneDx Variant Classification Process June 2021. Collection method: clinical testing. Allele origin: germline. Affected: yes.
Comment: Has not been previously published as pathogenic or benign to our knowledge; In silico analysis, which includes protein predictors and evolutionary conservation, supports that this variant does not alter protein structure/function